The following is an entry in ClinVar:

ClinVar aggregate classification (germline): Likely benign (1 of 4 stars; one submission).

Allele frequency attached by ClinVar (database versions not stated): gnomAD exomes below 0.00001.
gnomAD v4.1: 2 of 1,614,222 alleles (0.00012%); highest among the groups gnomAD compares: Middle Eastern, 0.016%; no homozygotes.

Submission:

CeGaT Center for Human Genetics Tuebingen
Classification: Likely benign. Last evaluated: 2023-06-01. Review status: criteria provided, single submitter. Criteria: CeGaT Center For Human Genetics Tuebingen Variant Classification Criteria Version 2. Collection method: clinical testing. Allele origin: germline. Affected: yes. Observed: 1 variant allele.
Comment: TTI1: PM2:Supporting, BP4, BP7

NM_001303457.2(TTI1):c.1701A>G (p.Gln567=)

Gene: TTI1 (TELO2 interacting protein 1; minus strand). Cytogenetic location: 20q11.23.
Variant type: single nucleotide variant.
Coding change: c.1701A>G on transcript NM_001303457.2 (MANE Select); coding-DNA position 1701, A replaced by G.
Protein change: p.Gln567=; no amino-acid change (glutamine 567 retained).
Molecular consequence: synonymous variant.
Genome position (GRCh38, 1-based): chr20:38,012,116, T>C on the plus strand (A>G on the coding strand, the complement: TTI1 is on the minus strand). VCF-style: chr20-38012116-T-C. GRCh37 (hg19) VCF-style: chr20-36640518-T-C.
Other names: c.1701A>G, p.Gln567= (NM_014657.3).
Identifiers: ClinVar variation 2652311 (VCV002652311.24), dbSNP rs2515459511, ClinGen allele CA510492904.